The following is an entry in ClinVar:

NM_005502.4(ABCA1):c.1765G>A (p.Val589Ile)

Gene: ABCA1 (ATP binding cassette subfamily A member 1; minus strand). Cytogenetic location: 9q31.1.
Variant type: single nucleotide variant.
Coding change: c.1765G>A on transcript NM_005502.4 (MANE Select); coding-DNA position 1765, G replaced by A.
Protein change: p.Val589Ile; replaces valine 589 with isoleucine.
Molecular consequence: missense variant.
Genome position (GRCh38, 1-based): chr9:104,831,052, C>T on the plus strand (G>A on the coding strand, the complement: ABCA1 is on the minus strand). VCF-style: chr9-104831052-C-T. GRCh37 (hg19) VCF-style: chr9-107593333-C-T.
Other names: short protein forms V589I.
Identifiers: ClinVar variation 1445865 (VCV001445865.10), dbSNP rs200928212, ClinGen allele CA5168909.
Genomic context (GRCh38, chr9:104,831,052, plus strand): 5'-TCAGCACCCTGATGATTGCCTGCTCCACCACATCCTGCAAGTAGGCGAAGCCCCCCCAGA[C>T]GTACCGCATGTCCTCAAAGGGGTCAGCTCGAGGACCAGGGTCCCAGTACCTAAAACCAAA-3'
Protein context (NP_005493.2, residues 579-599): RADPFEDMRY[Val589Ile]WGGFAYLQDV

ClinVar aggregate classification (germline): Conflicting classifications of pathogenicity. Review status: criteria provided, conflicting classifications (1 of 4 stars). 4 submissions from 4 submitters: Uncertain significance (3); Likely benign (1). Last evaluated 2026-03-25.

Conditions:
Hypoalphalipoproteinemia, primary, 1. Identifiers: Orphanet 425, MedGen C5231558, MONDO:0011393, OMIM 604091.
Tangier disease (TGD). Also called: HIGH DENSITY LIPOPROTEIN DEFICIENCY, TANGIER TYPE; HIGH DENSITY LIPOPROTEIN DEFICIENCY, TYPE 1; Cholesterol thesaurismosis. Identifiers: Orphanet 31150, MedGen C0039292, MONDO:0008783, OMIM 205400.

Allele frequency attached by ClinVar (database versions not stated): gnomAD exomes 0.00003 and 0.00008; ExAC 0.00014; gnomAD 0.00016 and 0.00018; TOPMed 0.00030; 1000 Genomes Project 30x 0.00109; 1000 Genomes Project 0.00120.
gnomAD v4.1: 74 of 1,613,140 alleles (0.0046%); highest among the groups gnomAD compares: Admixed American, 0.057%; no homozygotes.

Submissions (4):

Women's Health and Genetics/Laboratory Corporation of America, LabCorp
Classification: Uncertain significance. Last evaluated: 2026-03-25. Review status: criteria provided, single submitter. Criteria: LabCorp Variant Classification Summary - May 2015. Collection method: clinical testing. Allele origin: germline.
Comment: Variant summary: ABCA1 c.1765G>A (p.Val589Ile) results in a conservative amino acid change in the encoded protein sequence. Algorithms developed to predict the effect of missense changes on protein structure and function all suggest that this variant is likely to be tolerated. The variant allele was found at a frequency of 8e-05 in 251454 control chromosomes. This frequency is not significantly higher than estimated for disease-causing variants in ABCA1, allowing no conclusion about variant significance. c.1765G>A has been observed in a genome-wide association study on the impact of genotypic variation on metabolic traits without clinical specification (Service_2014). These report(s) do not provide unequivocal conclusions about association of the variant with Tangier Disease. At least one publication reports experimental evidence evaluating an impact on protein function and the most pronounced variant effect results in 80% of normal activity (Teigen_2024). The following publications have been ascertained in the context of this evaluation (PMID: 24497850, 38052254). ClinVar contains an entry for this variant (Variation ID: 1445865). Based on the evidence outlined above, the variant was classified as uncertain significance.

Labcorp Genetics (formerly Invitae), Labcorp
Classification: Likely benign. Last evaluated: 2026-01-06. Review status: criteria provided, single submitter. Criteria: Invitae Variant Classification Sherloc (09022015). Collection method: clinical testing. Allele origin: germline.

Blueprint Genetics
Classification: Uncertain significance. Last evaluated: 2022-12-15. Review status: criteria provided, single submitter. Criteria: ACMG Guidelines, 2015. Collection method: clinical testing. Allele origin: germline.

New York Genome Center
Classification: Uncertain significance for Hypoalphalipoproteinemia, primary, 1; Tangier disease. Last evaluated: 2021-10-29. Review status: criteria provided, single submitter. Criteria: NYGC Assertion Criteria 2020. Collection method: clinical testing. Allele origin: germline. Observed: 1 heterozygote.
Comment: The heterozygous c.1765G>A (p.Val589Ile) missense variant identified in the ABCA1 gene has been reported in a single individual diagnosed with a reduced level of total cholesterol (PMID: 24497850). The variant has 0.0001850 allele frequency in the gnomAD(v3) database (28 out of 151334 heterozygous alleles, no homozygotes) suggesting it is not a common benign variant in the populations represented in that database. The variant affects a weakly conserved residue(Val589) located in the first extracellular loop of the ABCA1 protein (PMID: 18776170). In silico tools provide conflicting predictions about pathogenicity of this variant (CADD score = 0.317, REVEL score = 0.703). Due to the lack of compelling evidence for its pathogenicity, the heterozygous c.1765G>A (p.Val589Ile) missense variant identified in the ABCA1 gene is reported as a Variant of Uncertain Significance.

Literature cited by the submitters: PubMed 24497850 (cited by Women's Health and Genetics/Laboratory Corporation of America, LabCorp); PubMed 38052254 (cited by Women's Health and Genetics/Laboratory Corporation of America, LabCorp).